The following is an entry in ClinVar:

ClinVar aggregate classification (germline): Uncertain significance. Review status: criteria provided, multiple submitters, no conflicts (2 of 4 stars). 2 submissions from 2 submitters: Uncertain significance (2). Last evaluated 2026-04-14.

Conditions:
Epidermolysis bullosa simplex 3, localized or generalized intermediate, with BP230 deficiency (EBS3). Also called: Epidermolysis bullosa simplex due to BP230 deficiency; Epidermolysis bullosa simplex, autosomal recessive 2. Identifiers: Orphanet 412181, MedGen C3809470, MONDO:0014180, OMIM 615425.
Hereditary sensory and autonomic neuropathy type 6. Also called: HSAN VI; Neuropathy, hereditary sensory and autonomic, type VI. Identifiers: Orphanet 314381, MedGen C3539003, MONDO:0013839, OMIM 614653.

Allele frequency attached by ClinVar (database versions not stated): gnomAD exomes below 0.00001 and 0.00001; TOPMed 0.00001; ExAC 0.00001.
gnomAD v4.1: 10 of 1,613,836 alleles (0.00062%); highest among the groups gnomAD compares: Non-Finnish European, 0.00085%; no homozygotes.

Submissions (2):

GeneDx
Classification: Uncertain significance. Last evaluated: 2026-04-14. Review status: criteria provided, single submitter. Criteria: GeneDx Variant Classification Process June 2021. Collection method: clinical testing. Allele origin: germline.
Comment: Not observed at significant frequency in large population cohorts (gnomAD); In silico analysis supports that this missense variant has a deleterious effect on protein structure/function; Has not been previously published as pathogenic or benign to our knowledge; Reported using the transcript encoding the epithelial isoform of the gene

Labcorp Genetics (formerly Invitae), Labcorp
Classification: Uncertain significance for Epidermolysis bullosa simplex 3, localized or generalized intermediate, with BP230 deficiency; Hereditary sensory and autonomic neuropathy type 6. Last evaluated: 2021-09-24. Review status: criteria provided, single submitter. Criteria: Invitae Variant Classification Sherloc (09022015). Collection method: clinical testing. Allele origin: germline.
Comment: This sequence change replaces leucine with valine at codon 1001 of the DST protein (p.Leu1001Val). The leucine residue is highly conserved and there is a small physicochemical difference between leucine and valine. The frequency data for this variant in the population databases is considered unreliable, as metrics indicate poor data quality at this position in the ExAC database. This variant has not been reported in the literature in individuals with DST-related conditions. Algorithms developed to predict the effect of missense changes on protein structure and function (SIFT, PolyPhen-2, Align-GVGD) all suggest that this variant is likely to be disruptive, but these predictions have not been confirmed by published functional studies and their clinical significance is uncertain. In summary, the available evidence is currently insufficient to determine the role of this variant in disease. Therefore, it has been classified as a Variant of Uncertain Significance.

NM_001374736.1(DST):c.4612C>G (p.Leu1538Val)

Gene: DST (dystonin; minus strand). Cytogenetic location: 6p12.1.
Variant type: single nucleotide variant.
Coding change: c.4612C>G on transcript NM_001374736.1 (MANE Select); coding-DNA position 4612, C replaced by G.
Protein change: p.Leu1538Val; replaces leucine 1538 with valine.
Molecular consequence: missense variant.
Genome position (GRCh38, 1-based): chr6:56,628,025, G>C on the plus strand (C>G on the coding strand, the complement: DST is on the minus strand). VCF-style: chr6-56628025-G-C. GRCh37 (hg19) VCF-style: chr6-56492823-G-C.
Other names: c.4513C>G, p.Leu1505Val (NM_001144769.5); c.4099C>G, p.Leu1367Val (NM_001144770.2); c.4612C>G, p.Leu1538Val (NM_001374722.1); c.3979C>G, p.Leu1327Val (NM_001374729.1, NM_001374730.1, NM_001386100.1 and 1 more transcripts); c.4639C>G, p.Leu1547Val (NM_001374734.1); c.3001C>G, p.Leu1001Val (NM_001723.7, NM_015548.5); c.3001C>G (NM_001723.5); short protein forms L1505V, L1538V, L1001V, L1367V, L1547V, L1327V.
Identifiers: ClinVar variation 1485619 (VCV001485619.6), dbSNP rs769183726, ClinGen allele CA3870858.